The following is an entry in ClinVar:

NM_198529.4(EFCAB5):c.3526A>G (p.Thr1176Ala)

Gene: EFCAB5 (EF-hand calcium binding domain 5; plus strand). Cytogenetic location: 17q11.2.
Variant type: single nucleotide variant.
Coding change: c.3526A>G on transcript NM_198529.4 (MANE Select); coding-DNA position 3526, A replaced by G.
Protein change: p.Thr1176Ala; replaces threonine 1176 with alanine.
Molecular consequence: missense variant.
Genome position (GRCh38, 1-based): chr17:30,082,990, A>G. VCF-style: chr17-30082990-A-G. GRCh37 (hg19) VCF-style: chr17-28410008-A-G.
Other names: short protein forms T1176A.
Identifiers: ClinVar variation 3033425 (VCV003033425.2), dbSNP rs193065340, ClinGen allele CA8479293.
Genomic context (GRCh38, chr17:30,082,990, plus strand): 5'-CACAGCCGGGAGCACATTCTGCATATTGTGATCACTGGCATAGGCTGGCTTTATGACGTC[A>G]CATCCAGCATCACCTCCATCACTACGTACTTTGTAGAGCCTAGCCCAGCCCAGGTAGGCA-3'
Protein context (NP_940931.3, residues 1166-1186): ITGIGWLYDV[Thr1176Ala]SSITSITTYF

ClinVar aggregate classification (germline): Likely benign (0 of 4 stars; one submission).

Conditions:
EFCAB5-related disorder. Also called: EFCAB5-related condition.

Allele frequency attached by ClinVar (database versions not stated): 1000 Genomes Project 0.00080; ESP Exome Variant Server 0.00087; 1000 Genomes Project 30x 0.00109; ExAC 0.00114; gnomAD 0.00117; gnomAD exomes 0.00142; TOPMed 0.00144.
gnomAD v4.1: 2,266 of 1,614,026 alleles (0.14%); highest among the groups gnomAD compares: Middle Eastern, 0.25%; 2 homozygotes.

Submission:

PreventionGenetics, part of Exact Sciences
Classification: Likely benign for EFCAB5-related condition. Last evaluated: 2022-02-07. Review status: no assertion criteria provided. Collection method: clinical testing. Allele origin: germline.
Comment: This variant is classified as likely benign based on ACMG/AMP sequence variant interpretation guidelines (Richards et al. 2015 PMID: 25741868, with internal and published modifications).